The following is an entry in ClinVar:

NM_000989.4(RPL30):c.246C>A (p.Gly82=)

Gene: RPL30 (ribosomal protein L30; minus strand). Cytogenetic location: 8q22.2.
Variant type: single nucleotide variant.
Coding change: c.246C>A on transcript NM_000989.4 (MANE Select); coding-DNA position 246, C replaced by A.
Protein change: p.Gly82=; no amino-acid change (glycine 82 retained).
Molecular consequence: synonymous variant.
Genome position (GRCh38, 1-based): chr8:98,042,697, G>T on the plus strand (C>A on the coding strand, the complement: RPL30 is on the minus strand). VCF-style: chr8-98042697-G-T. GRCh37 (hg19) VCF-style: chr8-99054925-G-T.
Identifiers: ClinVar variation 4681615 (VCV004681615.5).
Genomic context (GRCh38, chr8:98,042,697, plus strand): 5'-AAGCATACCTGGATCAATGATAGCCAGTGTGCACACTCTGTAGTATTTTCCGCATGCTGT[G>T]CCCAGTTCAATATTATTGCCACTGTAGTGATGGACACCAGTTTTAGCCAACATAGCATAG-3'
Protein context (NP_000980.1, residues 72-92): HHYSGNNIEL[Gly82=]TACGKYYRVC

ClinVar aggregate classification (germline): Likely benign (1 of 4 stars; one submission).

Submission:

CeGaT Center for Human Genetics Tuebingen
Classification: Likely benign. Last evaluated: 2025-12-01. Review status: criteria provided, single submitter. Criteria: CeGaT Center For Human Genetics Tuebingen Variant Classification Criteria Version 2. Collection method: clinical testing. Allele origin: germline. Affected: yes. Observed: 1 variant allele.
Comment: RPL30: PM2:Supporting, BP4, BP7